The following is an entry in ClinVar:

NM_173076.3(ABCA12):c.6167dup (p.Lys2057fs)

Genes: ABCA12 (ATP binding cassette subfamily A member 12; minus strand), SNHG31 (small nucleolar RNA host gene 31; plus strand). Cytogenetic location: 2q35.
Variant type: Duplication.
Coding change: c.6167dup on transcript NM_173076.3 (MANE Select); coding-DNA position 6167, one base duplicated (T; older notation c.6167dupT).
Protein change: p.Lys2057fs; shifts the reading frame from lysine 2057.
Molecular consequence: frameshift variant. On other transcripts: non-coding transcript variant (1).
Genome position (GRCh38, 1-based): chr2:214,956,729, A duplicated on the plus strand (T on the coding strand, the reverse complement: ABCA12 is on the minus strand); the first of 4 consecutive A bases (chr2:214,956,729-214,956,732); duplicating any one gives the same sequence. VCF-style (leftmost placement, unchanged base first): chr2-214956728-G-GA. GRCh37 (hg19) VCF-style: chr2-215821452-G-GA.
Other names: c.5213dup, p.Lys1739fs (NM_015657.4); short protein forms K1739fs, K2057fs.
Identifiers: ClinVar variation 2096804 (VCV002096804.4), dbSNP rs1698959620, ClinGen allele CA1327151262.

ClinVar aggregate classification (germline): Pathogenic (1 of 4 stars; one submission).

Submission:

Labcorp Genetics (formerly Invitae), Labcorp
Classification: Pathogenic. Last evaluated: 2023-11-27. Review status: criteria provided, single submitter. Criteria: Invitae Variant Classification Sherloc (09022015). Collection method: clinical testing. Allele origin: germline.
Comment: This sequence change creates a premature translational stop signal (p.Lys2057Glnfs*8) in the ABCA12 gene. It is expected to result in an absent or disrupted protein product. Loss-of-function variants in ABCA12 are known to be pathogenic (PMID: 20672373). This variant is not present in population databases (gnomAD no frequency). This variant has not been reported in the literature in individuals affected with ABCA12-related conditions. ClinVar contains an entry for this variant (Variation ID: 2096804). For these reasons, this variant has been classified as Pathogenic.

Literature cited by the submitters: PubMed 20672373.